The following is an entry in ClinVar:

ClinVar aggregate classification (germline): Pathogenic (1 of 4 stars; one submission).

Submission:

Quest Diagnostics Nichols Institute San Juan Capistrano
Classification: Pathogenic. Last evaluated: 2024-09-19. Review status: criteria provided, single submitter. Criteria: ACMG/ClinGen CNV Guidelines, 2019. Collection method: clinical testing. Allele origin: unknown.
Comment: This 13q13.2q13.3 loss involves multiple protein-coding genes, including NBEA (OMIM 604889). Haploinsufficiency of NBEA is associated with autosomal dominant neurodevelopmental disorder with or without early-onset generalized epilepsy (OMIM 619157, Kato 2022, Kushima 2018, Miura 2020, Mulhern 2018, Royer-Bertrand 2021). There are no similar copy number losses of this region in the general populations of the Database of Genomic Variants. Thus, this copy number variant (CNV) is classified as pathogenic. References: Kato et al., Psychiatry Clin Neurosci. 2022 Jan;76(1):36-38. PMID: 34716974 Kushima et al., Cell Rep. 2018 Sep 11;24(11):2838-2856. PMID: 30208311 Miura et al., Brain Dev. 2020 Sep;42(8):581-586. PMID: 32507666 Mulhern et al., Ann Neurol. 2018 Nov;84(5):788-795. PMID: 30269351 Royer-Bertrand et al., Genes (Basel). 2021 Sep 16;12(9):1427. PMID: 34573409

GRCh37/hg19 13q13.2-13.3(chr13:35060777-36582063)x1

Genes: DCLK1 (doublecortin like kinase 1; minus strand), MAB21L1 (mab-21 like 1; minus strand), NBEA (neurobeachin; plus strand). Cytogenetic location: 13q13.2-13.3.
Variant type: copy number loss.
Change: copy number 1 (one copy instead of two) of chr13:35,060,777-36,582,063 (1.52 Mb, GRCh37 coordinates, 1-based), cytogenetic band 13q13.2-13.3.
Identifiers: ClinVar variation 4682824 (VCV004682824.1).